The following is an entry in ClinVar:

NM_032609.3(COX4I2):c.407C>A (p.Thr136Lys)

Gene: COX4I2 (cytochrome c oxidase subunit 4I2; plus strand). Cytogenetic location: 20q11.21.
Variant type: single nucleotide variant.
Coding change: c.407C>A on transcript NM_032609.3 (MANE Select); coding-DNA position 407, C replaced by A.
Protein change: p.Thr136Lys; replaces threonine 136 with lysine.
Molecular consequence: missense variant.
Genome position (GRCh38, 1-based): chr20:31,644,795, C>A. VCF-style: chr20-31644795-C-A. GRCh37 (hg19) VCF-style: chr20-30232598-C-A.
Other names: short protein forms T136K.
Identifiers: ClinVar variation 3704956 (VCV003704956.2).

ClinVar aggregate classification (germline): Uncertain significance (1 of 4 stars; one submission).

gnomAD v4.1: 114 of 1,613,982 alleles (0.0071%); highest among the groups gnomAD compares: Non-Finnish European, 0.0094%; no homozygotes.

Submission:

Labcorp Genetics (formerly Invitae), Labcorp
Classification: Uncertain significance. Last evaluated: 2025-01-29. Review status: criteria provided, single submitter. Criteria: Invitae Variant Classification Sherloc (09022015). Collection method: clinical testing. Allele origin: germline.
Comment: This sequence change replaces threonine, which is neutral and polar, with lysine, which is basic and polar, at codon 136 of the COX4I2 protein (p.Thr136Lys). This variant is present in population databases (rs201685557, gnomAD 0.007%). This variant has not been reported in the literature in individuals affected with COX4I2-related conditions. An algorithm developed to predict the effect of missense changes on protein structure and function (PolyPhen-2) suggests that this variant is likely to be disruptive. In summary, the available evidence is currently insufficient to determine the role of this variant in disease. Therefore, it has been classified as a Variant of Uncertain Significance.